The following is an entry in ClinVar:

NM_000075.4(CDK4):c.405C>G (p.Cys135Trp)

Gene: CDK4 (cyclin dependent kinase 4; minus strand). Cytogenetic location: 12q14.1.
Variant type: single nucleotide variant.
Coding change: c.405C>G on transcript NM_000075.4 (MANE Select); coding-DNA position 405, C replaced by G.
Protein change: p.Cys135Trp; replaces cysteine 135 with tryptophan.
Molecular consequence: missense variant.
Genome position (GRCh38, 1-based): chr12:57,751,040, G>C on the plus strand (C>G on the coding strand, the complement: CDK4 is on the minus strand). VCF-style: chr12-57751040-G-C. GRCh37 (hg19) VCF-style: chr12-58144823-G-C.
Other names: short protein forms C135W.
Identifiers: ClinVar variation 4224576 (VCV004224576.1).

ClinVar aggregate classification (germline): Uncertain significance (1 of 4 stars; one submission).

Conditions:
Hereditary cancer-predisposing syndrome. Also called: Hereditary Cancer Syndrome; Hereditary neoplastic syndrome; Neoplastic Syndromes, Hereditary; Tumor predisposition. Identifiers: Orphanet 140162, MedGen C0027672, MeSH D009386, MONDO:0015356.

Submission:

Ambry Genetics
Classification: Uncertain significance for Hereditary cancer-predisposing syndrome. Last evaluated: 2025-08-01. Review status: criteria provided, single submitter. Criteria: Ambry Variant Classification Scheme 2023. Collection method: clinical testing. Allele origin: germline.
Comment: The p.C135W variant (also known as c.405C>G), located in coding exon 3 of the CDK4 gene, results from a C to G substitution at nucleotide position 405. The cysteine at codon 135 is replaced by tryptophan, an amino acid with highly dissimilar properties. This amino acid position is not well conserved in available vertebrate species. In addition, this alteration is predicted to be tolerated by in silico analysis. Based on the available evidence, the clinical significance of this variant remains unclear.